The following is an entry in ClinVar:

NM_015425.6(POLR1A):c.1192G>A (p.Val398Ile)

Gene: POLR1A (RNA polymerase I subunit A; minus strand). Cytogenetic location: 2p11.2.
Variant type: single nucleotide variant.
Coding change: c.1192G>A on transcript NM_015425.6 (MANE Select); coding-DNA position 1192, G replaced by A.
Protein change: p.Val398Ile; replaces valine 398 with isoleucine.
Molecular consequence: missense variant.
Genome position (GRCh38, 1-based): chr2:86,078,179, C>T on the plus strand (G>A on the coding strand, the complement: POLR1A is on the minus strand). VCF-style: chr2-86078179-C-T. GRCh37 (hg19) VCF-style: chr2-86305302-C-T.
Other names: short protein forms V398I.
Identifiers: ClinVar variation 2965351 (VCV002965351.3), dbSNP rs1158497071, ClinGen allele CA347552368.

ClinVar aggregate classification (germline): Uncertain significance (1 of 4 stars; one submission).

Allele frequency attached by ClinVar (database versions not stated): gnomAD 0.00001; gnomAD exomes 0.00001.
gnomAD v4.1: 14 of 1,613,256 alleles (0.00087%); highest among the groups gnomAD compares: Admixed American, 0.005%; no homozygotes.

Submission:

Labcorp Genetics (formerly Invitae), Labcorp
Classification: Uncertain significance. Last evaluated: 2025-10-05. Review status: criteria provided, single submitter. Criteria: Invitae Variant Classification Sherloc (09022015). Collection method: clinical testing. Allele origin: germline.
Comment: This sequence change replaces valine, which is neutral and non-polar, with isoleucine, which is neutral and non-polar, at codon 398 of the POLR1A protein (p.Val398Ile). This variant is present in population databases (no rsID available, gnomAD 0.01%). This variant has not been reported in the literature in individuals affected with POLR1A-related conditions. ClinVar contains an entry for this variant (Variation ID: 2965351). Invitae Evidence Modeling of protein sequence and biophysical properties (such as structural, functional, and spatial information, amino acid conservation, physicochemical variation, residue mobility, and thermodynamic stability) has been performed for this missense variant. However, the output from this modeling did not meet the statistical confidence thresholds required to predict the impact of this variant on POLR1A protein function. In summary, the available evidence is currently insufficient to determine the role of this variant in disease. Therefore, it has been classified as a Variant of Uncertain Significance.